The following is an entry in ClinVar:

ClinVar aggregate classification (germline): Benign. Review status: criteria provided, multiple submitters, no conflicts (2 of 4 stars). 2 submissions from 2 submitters: Benign (2). Last evaluated 2018-01-12.

Conditions:
Colorectal cancer, hereditary nonpolyposis, type 7. Identifiers: Orphanet 144, MedGen C1858380, MONDO:0013725, OMIM 614385.

Allele frequency attached by ClinVar (database versions not stated): gnomAD 0.39443 and 0.39486; 1000 Genomes Project 30x 0.33916; 1000 Genomes Project 0.33566; gnomAD exomes 0.37931; TOPMed 0.37985.
gnomAD v4.1: 69,466 of 176,520 alleles (39%); highest among the groups gnomAD compares: Middle Eastern, 50%; 14,451 homozygotes.

Submissions (2):

Illumina Laboratory Services, Illumina
Classification: Benign for Colorectal cancer, hereditary nonpolyposis, type 7. Last evaluated: 2018-01-12. Review status: criteria provided, single submitter. Criteria: ICSL Variant Classification Criteria 13 December 2019. Collection method: clinical testing. Allele origin: germline.
Comment: This variant was observed in the ICSL laboratory as part of a predisposition screen in an ostensibly healthy population. It had not been previously curated by ICSL or reported in the Human Gene Mutation Database (HGMD: prior to June 1st, 2018), and was therefore a candidate for classification through an automated scoring system. Utilizing variant allele frequency, disease prevalence and penetrance estimates, and inheritance mode, an automated score was calculated to assess if this variant is too frequent to cause the disease. Based on the score and internal cut-off values, a variant classified as benign is not then subjected to further curation. The score for this variant resulted in a classification of benign for this disease.

Breakthrough Genomics
Classification: Benign. Review status: criteria provided, single submitter. Criteria: ACMG Guidelines, 2015. Collection method: not provided. Allele origin: germline. Inheritance: Autosomal dominant inheritance. Affected: yes.

NM_001040108.2(MLH3):c.*1877T>C

Gene: MLH3 (mutL homolog 3; minus strand). Cytogenetic location: 14q24.3.
Variant type: single nucleotide variant.
Coding change: c.*1877T>C on transcript NM_001040108.2 (MANE Select); 1877 bases downstream of the stop codon, T replaced by C.
Molecular consequence: 3 prime UTR variant.
Genome position (GRCh38, 1-based): chr14:75,015,205, A>G on the plus strand (T>C on the coding strand, the complement: MLH3 is on the minus strand). VCF-style: chr14-75015205-A-G. GRCh37 (hg19) VCF-style: chr14-75481908-A-G.
Other names: c.*1877T>C (NM_014381.3).
Identifiers: ClinVar variation 314356 (VCV000314356.6), dbSNP rs108622, ClinGen allele CA10644929.